The following is an entry in ClinVar:

ClinVar aggregate classification (germline): Uncertain significance. Review status: criteria provided, multiple submitters, no conflicts (2 of 4 stars). 3 submissions from 3 submitters: Uncertain significance (3). Last evaluated 2025-02-10.

Conditions:
Cardiovascular phenotype. Identifiers: MedGen CN230736.
RASopathy. Also called: Noonan spectrum disorder; rasopathies. Identifiers: Orphanet 536391, MedGen C5555857, MONDO:0021060.

Allele frequency attached by ClinVar (database versions not stated): gnomAD exomes below 0.00001; gnomAD 0.00001; TOPMed 0.00002.
gnomAD v4.1: 7 of 1,607,570 alleles (0.00044%); highest among the groups gnomAD compares: Non-Finnish European, 0.00059%; no homozygotes.

Submissions (3):

Ambry Genetics
Classification: Uncertain significance for Cardiovascular phenotype. Last evaluated: 2025-02-10. Review status: criteria provided, single submitter. Criteria: Ambry Variant Classification Scheme 2023. Collection method: clinical testing. Allele origin: germline.
Comment: The p.E276Q variant (also known as c.826G>C), located in coding exon 7 of the MAP2K2 gene, results from a G to C substitution at nucleotide position 826. The glutamic acid at codon 276 is replaced by glutamine, an amino acid with highly similar properties. This amino acid position is conserved. In addition, the in silico prediction for this alteration is inconclusive. Based on the available evidence, the clinical significance of this variant remains unclear.

Labcorp Genetics (formerly Invitae), Labcorp
Classification: Uncertain significance for RASopathy. Last evaluated: 2024-11-05. Review status: criteria provided, single submitter. Criteria: Invitae Variant Classification Sherloc (09022015). Collection method: clinical testing. Allele origin: germline.
Comment: This sequence change replaces glutamic acid, which is acidic and polar, with glutamine, which is neutral and polar, at codon 276 of the MAP2K2 protein (p.Glu276Gln). This variant is present in population databases (no rsID available, gnomAD 0.001%). This variant has not been reported in the literature in individuals affected with MAP2K2-related conditions. ClinVar contains an entry for this variant (Variation ID: 372931). Invitae Evidence Modeling incorporating data from in vitro experimental studies (internal data) indicates that this missense variant is not expected to disrupt MAP2K2 function with a negative predictive value of 95%. In summary, the available evidence is currently insufficient to determine the role of this variant in disease. Therefore, it has been classified as a Variant of Uncertain Significance.

GeneDx
Classification: Uncertain significance. Last evaluated: 2016-03-22. Review status: criteria provided, single submitter. Criteria: GeneDx Variant Classification (06012015). Collection method: clinical testing. Allele origin: germline. Affected: yes.
Comment: The E276Q variant in the MAP2K2 gene has not been reported previously as a pathogenic variant, nor as a benign variant, to our knowledge. The E276Q variant was not observed in approximately 6,500 individuals of European and African American ancestry in the NHLBI Exome Sequencing Project, indicating it is not a common benign variant in these populations. The E276Q variant is a semi-conservative amino acid substitution, which may impact secondary protein structure as these residues differ in some properties. This substitution occurs at a position that is conserved across species. In silico analysis is inconsistent in its predictions as to whether or not the variant is damaging to the protein structure/function. A missense variant in nearby residue K273R has been reported in the Human Gene Mutation Database in association with cardio-facio-cutaneous syndrome (Stenson et al., 2014). Therefore, given the available data, interpret E276Q as a variant of uncertain significance

NM_030662.4(MAP2K2):c.826G>C (p.Glu276Gln)

Gene: MAP2K2 (mitogen-activated protein kinase kinase 2; minus strand). Cytogenetic location: 19p13.3.
Variant type: single nucleotide variant.
Coding change: c.826G>C on transcript NM_030662.4 (MANE Select); coding-DNA position 826, G replaced by C.
Protein change: p.Glu276Gln; replaces glutamic acid 276 with glutamine.
Molecular consequence: missense variant.
Genome position (GRCh38, 1-based): chr19:4,099,294, C>G on the plus strand (G>C on the coding strand, the complement: MAP2K2 is on the minus strand). VCF-style: chr19-4099294-C-G. GRCh37 (hg19) VCF-style: chr19-4099292-C-G.
Other names: short protein forms E276Q.
Identifiers: ClinVar variation 372931 (VCV000372931.9), dbSNP rs889422963, ClinGen allele CA16043198.
Genomic context (GRCh38, chr19:4,099,294, plus strand): 5'-GCGAGATGCTGTGAGGCTCTCCTTCTTCCCCGTCGACCACGGGCCGGCCAAAGATGGCCT[C>G]CAGCTCTTTGGCGTCGGGCGGGGGGATGGGGTACCTTCCGACGGCCAGCTCCACCAGGGA-3'
Protein context (NP_109587.1, residues 266-286): PIPPPDAKEL[Glu276Gln]AIFGRPVVDG